The following is an entry in ClinVar:

NM_207361.6(FREM2):c.3979T>A (p.Leu1327Ile)

Gene: FREM2 (FRAS1 related extracellular matrix 2; plus strand). Cytogenetic location: 13q13.3.
Variant type: single nucleotide variant.
Coding change: c.3979T>A on transcript NM_207361.6 (MANE Select); coding-DNA position 3979, T replaced by A.
Protein change: p.Leu1327Ile; replaces leucine 1327 with isoleucine.
Molecular consequence: missense variant.
Genome position (GRCh38, 1-based): chr13:38,691,323, T>A. VCF-style: chr13-38691323-T-A. GRCh37 (hg19) VCF-style: chr13-39265460-T-A.
Other names: short protein forms L1327I.
Identifiers: ClinVar variation 311969 (VCV000311969.28), dbSNP rs116653247, ClinGen allele CA6954892.

ClinVar aggregate classification (germline): Benign/Likely benign. Review status: criteria provided, multiple submitters, no conflicts (2 of 4 stars). 3 submissions from 3 submitters: Benign (2); Likely benign (1). Last evaluated 2026-01-31.

Conditions:
Fraser syndrome 2 (FRASRS2). Identifiers: MedGen C4540036, MONDO:0054738, OMIM 617666.

Allele frequency attached by ClinVar (database versions not stated): gnomAD 0.00362 and 0.00384; TOPMed 0.00377; ESP Exome Variant Server 0.00446; gnomAD exomes 0.00031 and 0.00085; ExAC 0.00112; 1000 Genomes Project 30x 0.00203; 1000 Genomes Project 0.00220.
gnomAD v4.1: 1,019 of 1,614,042 alleles (0.063%); highest among the groups gnomAD compares: African/African-American, 1.2%; 5 homozygotes.

Submissions (3):

Labcorp Genetics (formerly Invitae), Labcorp
Classification: Benign. Last evaluated: 2026-01-31. Review status: criteria provided, single submitter. Criteria: Invitae Variant Classification Sherloc (09022015). Collection method: clinical testing. Allele origin: germline.

CeGaT Center for Human Genetics Tuebingen
Classification: Likely benign. Last evaluated: 2024-10-01. Review status: criteria provided, single submitter. Criteria: CeGaT Center For Human Genetics Tuebingen Variant Classification Criteria Version 2. Collection method: clinical testing. Allele origin: germline. Affected: yes. Observed: 1 variant allele.
Comment: FREM2: BS1

Illumina Laboratory Services, Illumina
Classification: Benign for Fraser syndrome 2. Last evaluated: 2018-01-13. Review status: criteria provided, single submitter. Criteria: ICSL Variant Classification Criteria 13 December 2019. Collection method: clinical testing. Allele origin: germline.
Comment: This variant was observed in the ICSL laboratory as part of a predisposition screen in an ostensibly healthy population. It had not been previously curated by ICSL or reported in the Human Gene Mutation Database (HGMD: prior to June 1st, 2018), and was therefore a candidate for classification through an automated scoring system. Utilizing variant allele frequency, disease prevalence and penetrance estimates, and inheritance mode, an automated score was calculated to assess if this variant is too frequent to cause the disease. Based on the score and internal cut-off values, a variant classified as benign is not then subjected to further curation. The score for this variant resulted in a classification of benign for this disease.